The following is an entry in ClinVar:

ClinVar aggregate classification (germline): Uncertain significance (1 of 4 stars; one submission).

Conditions:
Congenital disorder of glycosylation, type Ii. Also called: CDG Ii; ALG2-CDG; ALG2-congenital disorder of glycosylation. Identifiers: Orphanet 79326, MedGen C1842836, MONDO:0011933, OMIM 607906.
Congenital myasthenic syndrome 14. Also called: Myasthenic syndrome, congenital, 14, with tubular aggregates. Identifiers: Orphanet 353327, Orphanet 590, MedGen C4015597, MONDO:0014543, OMIM 616228.

Allele frequency attached by ClinVar (database versions not stated): ExAC 0.00009.
gnomAD v4.1: 4 of 1,544,166 alleles (0.00026%); highest among the groups gnomAD compares: South Asian, 0.0012%; no homozygotes.

Submission:

Labcorp Genetics (formerly Invitae), Labcorp
Classification: Uncertain significance for Congenital disorder of glycosylation, type Ii; Congenital myasthenic syndrome 14. Last evaluated: 2022-07-19. Review status: criteria provided, single submitter. Criteria: Invitae Variant Classification Sherloc (09022015). Collection method: clinical testing. Allele origin: germline.
Comment: In summary, the available evidence is currently insufficient to determine the role of this variant in disease. Therefore, it has been classified as a Variant of Uncertain Significance. Algorithms developed to predict the effect of sequence changes on RNA splicing suggest that this variant may create or strengthen a splice site. Algorithms developed to predict the effect of missense changes on protein structure and function are either unavailable or do not agree on the potential impact of this missense change (SIFT: "Tolerated"; PolyPhen-2: "Possibly Damaging"; Align-GVGD: "Class C0"). This variant has not been reported in the literature in individuals affected with ALG2-related conditions. This variant is not present in population databases (gnomAD no frequency). This sequence change replaces valine, which is neutral and non-polar, with methionine, which is neutral and non-polar, at codon 113 of the ALG2 protein (p.Val113Met).

NM_033087.4(ALG2):c.337G>A (p.Val113Met)

Gene: ALG2 (ALG2 alpha-1,3/1,6-mannosyltransferase; minus strand). Cytogenetic location: 9q22.33.
Variant type: single nucleotide variant.
Coding change: c.337G>A on transcript NM_033087.4 (MANE Select); coding-DNA position 337, G replaced by A.
Protein change: p.Val113Met; replaces valine 113 with methionine.
Molecular consequence: missense variant. On other transcripts: non-coding transcript variant (1).
Genome position (GRCh38, 1-based): chr9:99,221,558, C>T on the plus strand (G>A on the coding strand, the complement: ALG2 is on the minus strand). VCF-style: chr9-99221558-C-T. GRCh37 (hg19) VCF-style: chr9-101983840-C-T.
Other names: short protein forms V113M.
Identifiers: ClinVar variation 1972726 (VCV001972726.5), dbSNP rs780869371, ClinGen allele CA5156419.